The following is an entry in ClinVar:

NM_001458.5(FLNC):c.5426C>T (p.Thr1809Met)

Genes: FLNC (filamin C; plus strand), FLNC-AS1 (FLNC antisense RNA 1; minus strand). Cytogenetic location: 7q32.1.
Variant type: single nucleotide variant.
Coding change: c.5426C>T on transcript NM_001458.5 (MANE Select); coding-DNA position 5426, C replaced by T.
Protein change: p.Thr1809Met; replaces threonine 1809 with methionine.
Molecular consequence: missense variant.
Genome position (GRCh38, 1-based): chr7:128,850,830, C>T. VCF-style: chr7-128850830-C-T. GRCh37 (hg19) VCF-style: chr7-128490884-C-T.
Other names: c.5327C>T, p.Thr1776Met (NM_001127487.2); short protein forms T1776M, T1809M.
Identifiers: ClinVar variation 648039 (VCV000648039.20), dbSNP rs369118592, ClinGen allele CA4475692.

ClinVar aggregate classification (germline): Conflicting classifications of pathogenicity. Review status: criteria provided, conflicting classifications (1 of 4 stars). 4 submissions from 4 submitters: Uncertain significance (2); Likely benign (2). Last evaluated 2026-01-28.

Conditions:
Cardiovascular phenotype. Identifiers: MedGen CN230736.
Myofibrillar myopathy 5. Also called: FILAMINOPATHY, AUTOSOMAL DOMINANT; Filaminopathy (type). Identifiers: Orphanet 171445, MedGen C1836050, MONDO:0012289, OMIM 609524.
Hypertrophic cardiomyopathy 26. Also called: Cardiomyopathy, familial hypertrophic, 26. Identifiers: Orphanet 75249, MedGen C4310749, MONDO:0014883, OMIM 617047.
Distal myopathy with posterior leg and anterior hand involvement. Also called: WILLIAMS DISTAL MYOPATHY. Identifiers: Orphanet 63273, MedGen C3279722, MONDO:0013550, OMIM 614065.

Allele frequency attached by ClinVar (database versions not stated): gnomAD 0.00011 and 0.00012; ExAC 0.00003; gnomAD exomes 0.00003 and 0.00004; ESP Exome Variant Server 0.00008; TOPMed 0.00008.
gnomAD v4.1: 75 of 1,613,724 alleles (0.0046%); highest among the groups gnomAD compares: Middle Eastern, 0.066%; no homozygotes.

Submissions (4):

Labcorp Genetics (formerly Invitae), Labcorp
Classification: Likely benign for Distal myopathy with posterior leg and anterior hand involvement; Myofibrillar myopathy 5; Hypertrophic cardiomyopathy 26. Last evaluated: 2026-01-28. Review status: criteria provided, single submitter. Criteria: Invitae Variant Classification Sherloc (09022015). Collection method: clinical testing. Allele origin: germline.

Blueprint Genetics
Classification: Likely benign. Last evaluated: 2024-11-12. Review status: criteria provided, single submitter. Criteria: ACMG Guidelines, 2015. Collection method: clinical testing. Allele origin: germline.

Revvity Omics, Revvity
Classification: Uncertain significance. Last evaluated: 2023-09-25. Review status: criteria provided, single submitter. Criteria: ACMG Guidelines, 2015. Collection method: clinical testing. Allele origin: germline.

Ambry Genetics
Classification: Uncertain significance for Cardiovascular phenotype. Last evaluated: 2023-05-26. Review status: criteria provided, single submitter. Criteria: Ambry Variant Classification Scheme 2023. Collection method: clinical testing. Allele origin: germline.
Comment: The p.T1809M variant (also known as c.5426C>T), located in coding exon 33 of the FLNC gene, results from a C to T substitution at nucleotide position 5426. The threonine at codon 1809 is replaced by methionine, an amino acid with similar properties. This amino acid position is well conserved in available vertebrate species. In addition, this alteration is predicted to be tolerated by in silico analysis. Since supporting evidence is limited at this time, the clinical significance of this alteration remains unclear.